The following is an entry in ClinVar:

ClinVar aggregate classification (germline): Uncertain significance (1 of 4 stars; one submission).

Conditions:
Cardiovascular phenotype. Identifiers: MedGen CN230736.

Allele frequency attached by ClinVar (database versions not stated): gnomAD exomes 0.00001.
gnomAD v4.1: 10 of 1,612,034 alleles (0.00062%); highest among the groups gnomAD compares: Non-Finnish European, 0.00085%; no homozygotes.

Submission:

Ambry Genetics
Classification: Uncertain significance for Cardiovascular phenotype. Last evaluated: 2020-05-29. Review status: criteria provided, single submitter. Criteria: Ambry Variant Classification Scheme 2023. Collection method: clinical testing. Allele origin: germline.
Comment: The p.H961L variant (also known as c.2882A>T), located in coding exon 16 of the SCN10A gene, results from an A to T substitution at nucleotide position 2882. The histidine at codon 961 is replaced by leucine, an amino acid with similar properties. This amino acid position is not well conserved in available vertebrate species. In addition, this alteration is predicted to be tolerated by in silico analysis. Since supporting evidence is limited at this time, the clinical significance of this alteration remains unclear.

NM_006514.4(SCN10A):c.2882A>T (p.His961Leu)

Genes: SCN10A (sodium voltage-gated channel alpha subunit 10; minus strand), LOC110121288 (VISTA enhancer hs2268; plus strand). Cytogenetic location: 3p22.2.
Variant type: single nucleotide variant.
Coding change: c.2882A>T on transcript NM_006514.4 (MANE Select); coding-DNA position 2882, A replaced by T.
Protein change: p.His961Leu; replaces histidine 961 with leucine.
Molecular consequence: missense variant.
Genome position (GRCh38, 1-based): chr3:38,726,811, T>A on the plus strand (A>T on the coding strand, the complement: SCN10A is on the minus strand). VCF-style: chr3-38726811-T-A. GRCh37 (hg19) VCF-style: chr3-38768302-T-A.
Other names: c.2882A>T, p.His961Leu (NM_001293306.2); c.2588A>T, p.His863Leu (NM_001293307.2); short protein forms H961L, H863L.
Identifiers: ClinVar variation 1797189 (VCV001797189.2), dbSNP rs2470671731, ClinGen allele CA352157957.